The following is an entry in ClinVar:

NM_006206.6(PDGFRA):c.2464C>T (p.Arg822Cys)

Gene: PDGFRA (platelet derived growth factor receptor alpha; plus strand). Cytogenetic location: 4q12.
Variant type: single nucleotide variant.
Coding change: c.2464C>T on transcript NM_006206.6 (MANE Select); coding-DNA position 2464, C replaced by T.
Protein change: p.Arg822Cys; replaces arginine 822 with cysteine.
Molecular consequence: missense variant.
Genome position (GRCh38, 1-based): chr4:54,285,865, C>T. VCF-style: chr4-54285865-C-T. GRCh37 (hg19) VCF-style: chr4-55152032-C-T.
Other names: c.2539C>T, p.Arg847Cys (NM_001347828.2); c.2464C>T, p.Arg822Cys (NM_001347829.2); c.2503C>T, p.Arg835Cys (NM_001347830.2); c.2464C>T (NM_006206.4); short protein forms R847C, R835C, R822C.
Identifiers: ClinVar variation 1516642 (VCV001516642.6), dbSNP rs2110337611, ClinGen allele CA356894901.

ClinVar aggregate classification (germline): Uncertain significance. Review status: criteria provided, multiple submitters, no conflicts (2 of 4 stars). 2 submissions from 2 submitters: Uncertain significance (2). Last evaluated 2025-10-17.

Conditions:
Gastrointestinal stromal tumor. Also called: Gastrointestinal stromal tumor, somatic; Gastrointestinal stroma tumor. Identifiers: Orphanet 44890, MedGen C0238198, MeSH D046152, MONDO:0011719, OMIM 606764, HP:0100723.
Hereditary cancer-predisposing syndrome. Also called: Tumor predisposition; Neoplastic Syndromes, Hereditary; Hereditary Cancer Syndrome; Hereditary neoplastic syndrome. Identifiers: Orphanet 140162, MedGen C0027672, MeSH D009386, MONDO:0015356.

Submissions (2):

Ambry Genetics
Classification: Uncertain significance for Hereditary cancer-predisposing syndrome. Last evaluated: 2025-10-17. Review status: criteria provided, single submitter. Criteria: Ambry Variant Classification Scheme 2023. Collection method: clinical testing. Allele origin: germline.
Comment: The p.R822C variant (also known as c.2464C>T), located in coding exon 17 of the PDGFRA gene, results from a C to T substitution at nucleotide position 2464. The arginine at codon 822 is replaced by cysteine, an amino acid with highly dissimilar properties. This amino acid position is highly conserved in available vertebrate species. In addition, this alteration is predicted to be deleterious by in silico analysis. Based on the available evidence, the clinical significance of this variant remains unclear.

Labcorp Genetics (formerly Invitae), Labcorp
Classification: Uncertain significance for Gastrointestinal stromal tumor. Last evaluated: 2021-09-15. Review status: criteria provided, single submitter. Criteria: Invitae Variant Classification Sherloc (09022015). Collection method: clinical testing. Allele origin: germline.
Comment: In summary, the available evidence is currently insufficient to determine the role of this variant in disease. Therefore, it has been classified as a Variant of Uncertain Significance. Algorithms developed to predict the effect of missense changes on protein structure and function (SIFT, PolyPhen-2, Align-GVGD) all suggest that this variant is likely to be disruptive. This variant has not been reported in the literature in individuals affected with PDGFRA-related conditions. This variant is not present in population databases (ExAC no frequency). This sequence change replaces arginine with cysteine at codon 822 of the PDGFRA protein (p.Arg822Cys). The arginine residue is highly conserved and there is a large physicochemical difference between arginine and cysteine.